The following is an entry in ClinVar:

ClinVar aggregate classification (germline): Uncertain significance (1 of 4 stars; one submission).

Allele frequency attached by ClinVar (database versions not stated): TOPMed below 0.00001; gnomAD exomes 0.00001.
gnomAD v4.1: 11 of 1,546,240 alleles (0.00071%); highest among the groups gnomAD compares: Middle Eastern, 0.033%; no homozygotes.

Submission:

CeGaT Center for Human Genetics Tuebingen
Classification: Uncertain significance. Last evaluated: 2023-01-01. Review status: criteria provided, single submitter. Criteria: CeGaT Center For Human Genetics Tuebingen Variant Classification Criteria Version 2. Collection method: clinical testing. Allele origin: germline. Affected: yes. Observed: 1 variant allele.
Comment: SETD1B: PP2, PP3

NM_001353345.2(SETD1B):c.4592C>T (p.Ser1531Phe)

Gene: SETD1B (SET domain containing 1B, histone lysine methyltransferase; plus strand). Cytogenetic location: 12q24.31.
Variant type: single nucleotide variant.
Coding change: c.4592C>T on transcript NM_001353345.2 (MANE Select); coding-DNA position 4592, C replaced by T.
Protein change: p.Ser1531Phe; replaces serine 1531 with phenylalanine.
Molecular consequence: missense variant.
Genome position (GRCh38, 1-based): chr12:121,823,171, C>T. VCF-style: chr12-121823171-C-T. GRCh37 (hg19) VCF-style: chr12-122261077-C-T.
Other names: short protein forms S1531F.
Identifiers: ClinVar variation 2643473 (VCV002643473.24), dbSNP rs1386919521, ClinGen allele CA386999317.